The following is an entry in ClinVar:

ClinVar aggregate classification (germline): Uncertain significance (1 of 4 stars; one submission).

Allele frequency attached by ClinVar (database versions not stated): gnomAD exomes below 0.00001.
gnomAD v4.1: 2 of 1,606,902 alleles (0.00012%); highest among the groups gnomAD compares: Admixed American, 0.0033%; no homozygotes.

Submission:

Labcorp Genetics (formerly Invitae), Labcorp
Classification: Uncertain significance. Last evaluated: 2023-01-28. Review status: criteria provided, single submitter. Criteria: Invitae Variant Classification Sherloc (09022015). Collection method: clinical testing. Allele origin: germline.
Comment: This variant is present in population databases (no rsID available, gnomAD 0.003%). This sequence change replaces threonine, which is neutral and polar, with isoleucine, which is neutral and non-polar, at codon 1877 of the FN1 protein (p.Thr1877Ile). This variant has not been reported in the literature in individuals affected with FN1-related conditions. In summary, the available evidence is currently insufficient to determine the role of this variant in disease. Therefore, it has been classified as a Variant of Uncertain Significance. An algorithm developed to predict the effect of missense changes on protein structure and function (PolyPhen-2) suggests that this variant is likely to be disruptive.

NM_212482.4(FN1):c.5630C>T (p.Thr1877Ile)

Gene: FN1 (fibronectin 1; minus strand). Cytogenetic location: 2q35.
Variant type: single nucleotide variant.
Coding change: c.5630C>T on transcript NM_212482.4 (MANE Select); coding-DNA position 5630, C replaced by T.
Protein change: p.Thr1877Ile; replaces threonine 1877 with isoleucine.
Molecular consequence: missense variant.
Genome position (GRCh38, 1-based): chr2:215,378,255, G>A on the plus strand (C>T on the coding strand, the complement: FN1 is on the minus strand). VCF-style: chr2-215378255-G-A. GRCh37 (hg19) VCF-style: chr2-216242978-G-A.
Other names: c.5630C>T, p.Thr1877Ile (NM_001306129.2); c.5360C>T, p.Thr1787Ile (NM_001306130.2, NM_001365517.2, NM_001365519.2 and 2 more transcripts); c.5087C>T, p.Thr1696Ile (NM_001306131.2, NM_001306132.2, NM_001365523.2 and 2 more transcripts); c.5357C>T, p.Thr1786Ile (NM_001365518.2, NM_001365520.2, NM_001365524.2 and 2 more transcripts); short protein forms T1787I, T1696I, T1877I, T1786I.
Identifiers: ClinVar variation 2998557 (VCV002998557.3), dbSNP rs1288393055, ClinGen allele CA350472209.